The following is an entry in ClinVar:

ClinVar aggregate classification (germline): Uncertain significance (1 of 4 stars; one submission).

Allele frequency attached by ClinVar (database versions not stated): gnomAD exomes below 0.00001.
gnomAD v4.1: 1 of 1,610,038 alleles (0.000062%); highest among the groups gnomAD compares: Non-Finnish European, 0.000085%; no homozygotes.

Submission:

GeneDx
Classification: Uncertain significance. Last evaluated: 2016-08-23. Review status: criteria provided, single submitter. Criteria: GeneDx Variant Classification (06012015). Collection method: clinical testing. Allele origin: germline. Affected: yes.
Comment: The C234W variant in the ANO3 gene has not been reported previously as a pathogenic variant, nor as a benign variant, to our knowledge. The C234W variant was not observed in approximately 6500 individuals of European and African American ancestry in the NHLBI Exome Sequencing Project, indicating it is not a common benign variant in these populations. The C234W variant is anon-conservative amino acid substitution, which occurs at a position that is not conserved. In silico analysis is inconsistent in its predictions as to whether or not the variant is damaging to the protein structure/function.

NM_031418.4(ANO3):c.702C>G (p.Cys234Trp)

Gene: ANO3 (anoctamin 3; plus strand). Cytogenetic location: 11p14.2.
Variant type: single nucleotide variant.
Coding change: c.702C>G on transcript NM_031418.4 (MANE Select); coding-DNA position 702, C replaced by G.
Protein change: p.Cys234Trp; replaces cysteine 234 with tryptophan.
Molecular consequence: missense variant.
Genome position (GRCh38, 1-based): chr11:26,525,644, C>G. VCF-style: chr11-26525644-C-G. GRCh37 (hg19) VCF-style: chr11-26547191-C-G.
Other names: c.885C>G, p.Cys295Trp (NM_001313726.2); c.264C>G, p.Cys88Trp (NM_001313727.2); short protein forms C234W, C295W, C88W.
Identifiers: ClinVar variation 254028 (VCV000254028.2), dbSNP rs886037882, ClinGen allele CA10586326.